The following is an entry in ClinVar:

ClinVar aggregate classification (germline): Pathogenic. Review status: criteria provided, single submitter (1 of 4 stars). 2 submissions from 2 submitters: Pathogenic (1). 1 of the submissions does not count toward it. Last evaluated 2025-03-26.

Conditions:
Metaphyseal chondrodysplasia, Schmid type (MCDS). Also called: SPONDYLOMETAPHYSEAL DYSPLASIA, JAPANESE TYPE. Identifiers: Orphanet 174, MedGen C0265289, MONDO:0007983, OMIM 156500.

Submissions (2):

Labcorp Genetics (formerly Invitae), Labcorp
Classification: Pathogenic. Last evaluated: 2025-03-26. Review status: criteria provided, single submitter. Criteria: Invitae Variant Classification Sherloc (09022015). Collection method: clinical testing. Allele origin: germline.
Comment: This sequence change creates a premature translational stop signal (p.Trp611*) in the COL10A1 gene. While this is not anticipated to result in nonsense mediated decay, it is expected to disrupt the last 70 amino acid(s) of the COL10A1 protein. This variant is not present in population databases (gnomAD no frequency). This premature translational stop signal has been observed in individuals with autosomal dominant Schmid-type metaphyseal chondrodysplasia (PMID: 12554676, 36400164). It has also been observed to segregate with disease in related individuals. ClinVar contains an entry for this variant (Variation ID: 17482). For these reasons, this variant has been classified as Pathogenic.

OMIM
Classification: Pathogenic for METAPHYSEAL CHONDRODYSPLASIA, SCHMID TYPE. Last evaluated: 2003-02-01. Review status: no assertion criteria provided. Collection method: literature only. Allele origin: germline. Not counted in ClinVar's aggregate classification.

Literature cited by the submitters: PubMed 12554676 (cited by Labcorp Genetics (formerly Invitae), Labcorp and OMIM); PubMed 36400164 (cited by Labcorp Genetics (formerly Invitae), Labcorp).

NM_000493.4(COL10A1):c.1832G>A (p.Trp611Ter)

Genes: COL10A1 (collagen type X alpha 1 chain; minus strand), NT5DC1 (5'-nucleotidase domain containing 1; plus strand). Cytogenetic location: 6q22.1.
Variant type: single nucleotide variant.
Coding change: c.1832G>A on transcript NM_000493.4 (MANE Select); coding-DNA position 1832, G replaced by A.
Protein change: p.Trp611Ter; replaces tryptophan 611 with a stop codon.
Molecular consequence: nonsense. On other transcripts: intron variant (1).
Genome position (GRCh38, 1-based): chr6:116,120,284, C>T on the plus strand (G>A on the coding strand, the complement: COL10A1 is on the minus strand). VCF-style: chr6-116120284-C-T. GRCh37 (hg19) VCF-style: chr6-116441447-C-T.
Other names: c.1832G>A, p.Trp611Ter (NM_001424106.1, NM_001424107.1); c.529+2339C>T (NM_152729.3); short protein forms W611*.
Identifiers: ClinVar variation 17482 (VCV000017482.8), dbSNP rs111033556, ClinGen allele CA127226.